The following is an entry in ClinVar:

NM_002907.4(RECQL):c.1426G>T (p.Asp476Tyr)

Gene: RECQL (RecQ like helicase; minus strand). Cytogenetic location: 12p12.1.
Variant type: single nucleotide variant.
Coding change: c.1426G>T on transcript NM_002907.4 (MANE Select); coding-DNA position 1426, G replaced by T.
Protein change: p.Asp476Tyr; replaces aspartic acid 476 with tyrosine.
Molecular consequence: missense variant.
Genome position (GRCh38, 1-based): chr12:21,473,572, C>A on the plus strand (G>T on the coding strand, the complement: RECQL is on the minus strand). VCF-style: chr12-21473572-C-A. GRCh37 (hg19) VCF-style: chr12-21626506-C-A.
Other names: c.1426G>T, p.Asp476Tyr (NM_032941.3); short protein forms D476Y.
Identifiers: ClinVar variation 1772383 (VCV001772383.2), dbSNP rs200259739, ClinGen allele CA384117337.

ClinVar aggregate classification (germline): Uncertain significance (1 of 4 stars; one submission).

gnomAD v4.1: 2 of 1,612,584 alleles (0.00012%); highest among the groups gnomAD compares: Admixed American, 0.0033%; no homozygotes.

Submission:

Ambry Genetics
Classification: Uncertain significance. Last evaluated: 2021-12-22. Review status: criteria provided, single submitter. Criteria: Ambry Variant Classification Scheme 2023. Collection method: clinical testing. Allele origin: germline.
Comment: The p.D476Y variant (also known as c.1426G>T), located in coding exon 11 of the RECQL gene, results from a G to T substitution at nucleotide position 1426. The aspartic acid at codon 476 is replaced by tyrosine, an amino acid with highly dissimilar properties. This amino acid position is conserved. In addition, this alteration is predicted to be deleterious by in silico analysis. Since supporting evidence is limited at this time, the clinical significance of this alteration remains unclear.